The following is an entry in ClinVar:

ClinVar aggregate classification (germline): Uncertain significance (1 of 4 stars; one submission).

gnomAD v4.1: 8 of 1,614,064 alleles (0.0005%); highest among the groups gnomAD compares: East Asian, 0.0022%; no homozygotes.

Submission:

GeneDx
Classification: Uncertain significance. Last evaluated: 2026-04-14. Review status: criteria provided, single submitter. Criteria: GeneDx Variant Classification Process June 2021. Collection method: clinical testing. Allele origin: germline.
Comment: In silico analysis supports that this missense variant has a deleterious effect on protein structure/function; This variant is associated with the following publications: (PMID: 40127276)

NM_001429.4(EP300):c.3914G>A (p.Arg1305His)

Gene: EP300 (EP300 lysine acetyltransferase; plus strand). Cytogenetic location: 22q13.2.
Variant type: single nucleotide variant.
Coding change: c.3914G>A on transcript NM_001429.4 (MANE Select); coding-DNA position 3914, G replaced by A.
Protein change: p.Arg1305His; replaces arginine 1305 with histidine.
Molecular consequence: missense variant.
Genome position (GRCh38, 1-based): chr22:41,168,488, G>A. VCF-style: chr22-41168488-G-A. GRCh37 (hg19) VCF-style: chr22-41564492-G-A.
Other names: c.3836G>A, p.Arg1279His (NM_001362843.2); short protein forms R1279H, R1305H.
Identifiers: ClinVar variation 5036934 (VCV005036934.1).
Genomic context (GRCh38, chr22:41,168,488, plus strand): 5'-TTTTAACTTTTACATTCCTAGGGTTGCCATCTACCAGACTTGGCACCTTTCTAGAGAATC[G>A]TGTGAATGACTTTCTGAGGCGACAGAATCACCCTGAGTCAGGAGAGGTCACTGTTAGAGT-3'
Protein context (NP_001420.2, residues 1295-1315): STRLGTFLEN[Arg1305His]VNDFLRRQNH